The following is an entry in ClinVar:

NM_004006.3(DMD):c.2950-9G>T

Gene: DMD (dystrophin; minus strand). Cytogenetic location: Xp21.1.
Variant type: single nucleotide variant.
Coding change: c.2950-9G>T on transcript NM_004006.3 (MANE Select); 9 bases into the intron before coding-DNA position 2950, G replaced by T.
Molecular consequence: intron variant.
Genome position (GRCh38, 1-based): chrX:32,468,719, C>A on the plus strand (G>T on the coding strand, the complement: DMD is on the minus strand). VCF-style: chrX-32468719-C-A. GRCh37 (hg19) VCF-style: chrX-32486836-C-A.
Other names: c.2926-9G>T (NM_000109.4); c.2938-9G>T (NM_004009.3); c.2581-9G>T (NM_004010.3).
Identifiers: ClinVar variation 228582 (VCV000228582.13), dbSNP rs772822759, ClinGen allele CA10379385.

ClinVar aggregate classification (germline): Conflicting classifications of pathogenicity. Review status: criteria provided, conflicting classifications (1 of 4 stars). 2 submissions from 2 submitters: Uncertain significance (1); Likely benign (1). Last evaluated 2022-04-05.

Conditions:
Duchenne muscular dystrophy (DMD). Also called: MUSCULAR DYSTROPHY, PSEUDOHYPERTROPHIC PROGRESSIVE, DUCHENNE TYPE; Duchenne Muscular Dystrophy (DMD). Identifiers: Orphanet 98896, MedGen C0013264, MONDO:0010679, OMIM 310200.

gnomAD v4.1: 8 of 1,188,614 alleles (0.00067%); highest among the groups gnomAD compares: South Asian, 0.012%; no homozygotes.

Submissions (2):

Labcorp Genetics (formerly Invitae), Labcorp
Classification: Likely benign for Duchenne muscular dystrophy. Last evaluated: 2022-04-05. Review status: criteria provided, single submitter. Criteria: Invitae Variant Classification Sherloc (09022015). Collection method: clinical testing. Allele origin: germline.

Laboratory for Molecular Medicine, Mass General Brigham Personalized Medicine
Classification: Uncertain significance. Last evaluated: 2015-06-10. Review status: criteria provided, single submitter. Criteria: LMM Criteria. Collection method: clinical testing. Allele origin: germline. Observed: 1 variant allele.
Comment: The c.2950-9G>T variant in DMD has not been previously reported in individuals w ith cardiomyopathy, but has been identified in 1/36314 European chromosomes by t he Exome Aggregation Consortium (ExAC; dbSNP rs7 72822759). This variant is located in the 3' splice region. Computational tools do not suggest an impact to splicing. However, this information is not predictiv e enough to rule out pathogenicity. In summary, the clinical significance of the c.2950-9G>T variant is uncertain.